The following is an entry in ClinVar:

NM_001330574.2(ZNF711):c.304G>A (p.Glu102Lys)

Gene: ZNF711 (zinc finger protein 711; plus strand). Cytogenetic location: Xq21.1.
Variant type: single nucleotide variant.
Coding change: c.304G>A on transcript NM_001330574.2 (MANE Select); coding-DNA position 304, G replaced by A.
Protein change: p.Glu102Lys; replaces glutamic acid 102 with lysine.
Molecular consequence: missense variant.
Genome position (GRCh38, 1-based): chrX:85,255,483, G>A. VCF-style: chrX-85255483-G-A. GRCh37 (hg19) VCF-style: chrX-84510489-G-A.
Other names: c.304G>A, p.Glu102Lys (NM_021998.5); short protein forms E102K.
Identifiers: ClinVar variation 452437 (VCV000452437.2), dbSNP rs1474432224, ClinGen allele CA413774901.

ClinVar aggregate classification (germline): Uncertain significance (1 of 4 stars; one submission).

Allele frequency attached by ClinVar (database versions not stated): gnomAD exomes below 0.00001 and 0.00001.

Submission:

GeneDx
Classification: Uncertain significance. Last evaluated: 2017-10-12. Review status: criteria provided, single submitter. Criteria: GeneDx Variant Classification (06012015). Collection method: clinical testing. Allele origin: germline. Affected: yes.
Comment: The E102K variant in the ZNF711 gene has not been reported previously as a pathogenic variant, nor as a benign variant, to our knowledge. The E102K variant is not observed at a significant frequency in large population cohorts (Lek et al., 2016). The E102K variant is a non-conservative amino acid substitution, which is likely to impact secondary protein structure as these residues differ in polarity, charge, size and/or other properties. This substitution occurs at a position that is conserved in mammals. In silico analysis is inconsistent in its predictions as to whether or not the variant is damaging to the protein structure/function. We interpret E102K as a variant of uncertain significance.